The following is an entry in ClinVar:

NM_025150.5(TARS2):c.695+3A>G

Gene: TARS2 (threonyl-tRNA synthetase 2, mitochondrial; plus strand). Cytogenetic location: 1q21.2.
Variant type: single nucleotide variant.
Coding change: c.695+3A>G on transcript NM_025150.5 (MANE Select); 3 bases into the intron after coding-DNA position 695, A replaced by G.
Molecular consequence: intron variant.
Genome position (GRCh38, 1-based): chr1:150,491,665, A>G. VCF-style: chr1-150491665-A-G. GRCh37 (hg19) VCF-style: chr1-150464141-A-G.
Other names: IVS6DS, A-G, +3; c.695+3A>G (NM_001271895.2); c.630+154A>G (NM_001271896.2).
Identifiers: ClinVar variation 143050 (VCV000143050.10), dbSNP rs587777594, ClinGen allele CA170071.

ClinVar aggregate classification (germline): Pathogenic/Likely pathogenic. Review status: criteria provided, multiple submitters, no conflicts (2 of 4 stars). 4 submissions from 4 submitters: Pathogenic (1); Likely pathogenic (1). 2 of the submissions do not count toward it. Last evaluated 2025-04-08.

Conditions:
Combined oxidative phosphorylation defect type 21. Also called: Combined oxidative phosphorylation deficiency 21. Identifiers: Orphanet 420733, MedGen C4706316, MONDO:0014398, OMIM 615918.

Allele frequency attached by ClinVar (database versions not stated): gnomAD 0.00001; gnomAD exomes 0.00001 and 0.00002; ExAC 0.00002; TOPMed 0.00002.
gnomAD v4.1: 38 of 1,613,994 alleles (0.0024%); highest among the groups gnomAD compares: Non-Finnish European, 0.0031%; no homozygotes.

Submissions (4):

Labcorp Genetics (formerly Invitae), Labcorp
Classification: Pathogenic. Last evaluated: 2025-04-08. Review status: criteria provided, single submitter. Criteria: Invitae Variant Classification Sherloc (09022015). Collection method: clinical testing. Allele origin: germline.
Comment: This sequence change falls in intron 6 of the TARS2 gene. It does not directly change the encoded amino acid sequence of the TARS2 protein. It affects a nucleotide within the consensus splice site. This variant is present in population databases (rs587777594, gnomAD 0.003%). This variant has been observed in individuals with combined oxidative phosphorylation deficiency (PMID: 24827421, 34508595). It has also been observed to segregate with disease in related individuals. ClinVar contains an entry for this variant (Variation ID: 143050). Variants that disrupt the consensus splice site are a relatively common cause of aberrant splicing (PMID: 17576681, 9536098). Algorithms developed to predict the effect of sequence changes on RNA splicing suggest that this variant may disrupt the consensus splice site. For these reasons, this variant has been classified as Pathogenic.

Genetics and Molecular Pathology, SA Pathology
Classification: Likely pathogenic for Combined oxidative phosphorylation defect type 21. Last evaluated: 2021-07-12. Review status: criteria provided, single submitter. Criteria: ACMG Guidelines, 2015. Collection method: clinical testing. Allele origin: germline. Inheritance: Autosomal recessive inheritance. Affected: yes.

OMIM
Classification: Pathogenic for COMBINED OXIDATIVE PHOSPHORYLATION DEFICIENCY 21. Last evaluated: 2014-08-01. Review status: no assertion criteria provided. Collection method: literature only. Allele origin: germline. Not counted in ClinVar's aggregate classification.

Department of Clinical Genetics, Copenhagen University Hospital, Rigshospitalet
Classification: Pathogenic for Combined oxidative phosphorylation defect type 21. Review status: no assertion criteria provided. Collection method: clinical testing. Allele origin: inherited. Affected: yes. Not counted in ClinVar's aggregate classification.

Literature cited by the submitters: PubMed 24827421 (cited by Labcorp Genetics (formerly Invitae), Labcorp and OMIM); PubMed 34508595 (cited by Labcorp Genetics (formerly Invitae), Labcorp and OMIM); PubMed 17576681 (cited by Labcorp Genetics (formerly Invitae), Labcorp); PubMed 9536098 (cited by Labcorp Genetics (formerly Invitae), Labcorp).